The following is an entry in ClinVar:

ClinVar aggregate classification (germline): Likely pathogenic (1 of 4 stars; one submission).

Conditions:
Severe intellectual disability-progressive spastic diplegia syndrome (NEDSDV). Also called: NEURODEVELOPMENTAL DISORDER WITH SPASTIC DIPLEGIA AND VISUAL DEFECTS; CTNNB1 Neurodevelopmental Disorder. Identifiers: Orphanet 404473, MedGen C3554449, MONDO:0014035, OMIM 615075.

Submission:

Institute of Human Genetics, University of Leipzig Medical Center
Classification: Likely pathogenic for Severe intellectual disability-progressive spastic diplegia syndrome. Last evaluated: 2026-08-20. Review status: criteria provided, single submitter. Criteria: ACMG Guidelines, 2015. Collection method: clinical testing. Allele origin: unknown. Inheritance: Autosomal dominant inheritance. Affected: yes.
Comment: Criteria applied: PVS1_STR,PM2

NM_001904.4(CTNNB1):c.2144del (p.Ser715fs)

Gene: CTNNB1 (catenin beta 1; plus strand). Cytogenetic location: 3p22.1.
Variant type: Deletion.
Coding change: c.2144del on transcript NM_001904.4 (MANE Select); coding-DNA position 2144, one base deleted (G; older notation c.2144delG).
Protein change: p.Ser715fs; shifts the reading frame from serine 715.
Molecular consequence: frameshift variant. On other transcripts: intron variant (2).
Genome position (GRCh38, 1-based): chr3:41,239,140, G deleted. VCF-style (leftmost placement, unchanged base first): chr3-41239139-AG-A. GRCh37 (hg19) VCF-style: chr3-41280630-AG-A.
Other names: c.2144del, p.Ser715fs (NM_001098209.2, NM_001098210.2, NM_001438871.1 and 2 more transcripts); c.2123del, p.Ser708fs (NM_001330729.2); c.2077-520del (NM_001438874.1, NM_001438875.1); short protein forms S708fs, S715fs.
Identifiers: ClinVar variation 4890744 (VCV004890744.1).
Genomic context (GRCh38, chr3:41,239,139, plus strand): 5'-CCTCTCTCTTTTGCCTTCCTTCTTGCCTATTTTGTTGACACCCTGACTCTTCTAGATCCT[AG>A]CTATCGTTCTTTTCACTCTGGTGGATATGGCCAGGATGCCTTGGGTATGGACCCCATGAT-3'